The following is an entry in ClinVar:

NM_001134363.3(RBM20):c.2807A>G (p.Asp936Gly)

Gene: RBM20 (RNA binding motif protein 20; plus strand). Cytogenetic location: 10q25.2.
Variant type: single nucleotide variant.
Coding change: c.2807A>G on transcript NM_001134363.3 (MANE Select); coding-DNA position 2807, A replaced by G.
Protein change: p.Asp936Gly; replaces aspartic acid 936 with glycine.
Molecular consequence: missense variant.
Genome position (GRCh38, 1-based): chr10:110,821,426, A>G. VCF-style: chr10-110821426-A-G. GRCh37 (hg19) VCF-style: chr10-112581184-A-G.
Other names: short protein forms D936G.
Identifiers: ClinVar variation 1472760 (VCV001472760.8), dbSNP rs1225927754, ClinGen allele CA378377723.

ClinVar aggregate classification (germline): Uncertain significance (1 of 4 stars; one submission).

Conditions:
Dilated cardiomyopathy 1DD (CMD1DD). Identifiers: Orphanet 154, MedGen C2750995, MONDO:0013168, OMIM 613172.

Submission:

Labcorp Genetics (formerly Invitae), Labcorp
Classification: Uncertain significance for Dilated cardiomyopathy 1DD. Last evaluated: 2021-06-21. Review status: criteria provided, single submitter. Criteria: Invitae Variant Classification Sherloc (09022015). Collection method: clinical testing. Allele origin: germline.
Comment: This variant is not present in population databases (ExAC no frequency). This sequence change replaces aspartic acid with glycine at codon 936 of the RBM20 protein (p.Asp936Gly). The aspartic acid residue is moderately conserved and there is a moderate physicochemical difference between aspartic acid and glycine. In summary, the available evidence is currently insufficient to determine the role of this variant in disease. Therefore, it has been classified as a Variant of Uncertain Significance. Advanced modeling of protein sequence and biophysical properties (such as structural, functional, and spatial information, amino acid conservation, physicochemical variation, residue mobility, and thermodynamic stability) performed at Invitae indicates that this missense variant is not expected to disrupt RBM20 protein function. This variant has not been reported in the literature in individuals with RBM20-related conditions.